The following is an entry in ClinVar:

NM_020911.2(PLXNA4):c.3181T>C (p.Trp1061Arg)

Gene: PLXNA4 (plexin A4; minus strand). Cytogenetic location: 7q32.3.
Variant type: single nucleotide variant.
Coding change: c.3181T>C on transcript NM_020911.2 (MANE Select); coding-DNA position 3181, T replaced by C.
Protein change: p.Trp1061Arg; replaces tryptophan 1061 with arginine.
Molecular consequence: missense variant.
Genome position (GRCh38, 1-based): chr7:132,182,168, A>G on the plus strand (T>C on the coding strand, the complement: PLXNA4 is on the minus strand). VCF-style: chr7-132182168-A-G. GRCh37 (hg19) VCF-style: chr7-131866927-A-G.
Other names: c.3181T>C, p.Trp1061Arg (NM_001393897.1); short protein forms W1061R.
Identifiers: ClinVar variation 4986816 (VCV004986816.1).
Genomic context (GRCh38, chr7:132,182,168, plus strand): 5'-CCTTCCCTCCATGCTTGGCACGGATCTGGGGGTTCTGTATGAGGTCCAGGTGGGTCCCCC[A>G]TACGGCGATGGGTGTGTTTCCACTGAGCAGGAAGAAAGAAGGAGATGTGTAAATGATAAG-3'
Protein context (NP_065962.1, residues 1051-1071): IVSGNTPIAV[Trp1061Arg]GTHLDLIQNP

ClinVar aggregate classification (germline): Uncertain significance (1 of 4 stars; one submission).

Conditions:
PLXNA4-related disorder. Also called: PLXNA4-related condition.

gnomAD v4.1: 107 of 1,614,178 alleles (0.0066%); highest among the groups gnomAD compares: South Asian, 0.11%; 1 homozygote.

Submission:

PreventionGenetics, part of Exact Sciences
Classification: Uncertain significance for PLXNA4-related condition. Last evaluated: 2026-07-21. Review status: criteria provided, single submitter. Criteria: ACMG Guidelines, 2015. Collection method: clinical testing. Allele origin: germline.
Comment: The PLXNA4 c.3181T>C variant is predicted to result in the amino acid substitution p.Trp1061Arg. To our knowledge, this variant has not been reported in the literature. This variant is reported in 0.12% of alleles in individuals of South Asian descent in gnomAD. Although we suspect that this variant may be benign, at this time, the clinical significance of this variant is uncertain due to the absence of conclusive functional and genetic evidence.